The following is an entry in ClinVar:

ClinVar aggregate classification (germline): Uncertain significance (1 of 4 stars; one submission).

Conditions:
Inborn genetic diseases. Identifiers: MedGen C0950123, MeSH D030342.

gnomAD v4.1: 1 of 1,614,010 alleles (0.000062%); highest among the groups gnomAD compares: Non-Finnish European, 0.000085%; no homozygotes.

Submission:

Ambry Genetics
Classification: Uncertain significance for Inborn genetic diseases. Last evaluated: 2024-05-22. Review status: criteria provided, single submitter. Criteria: Ambry Variant Classification Scheme 2023. Collection method: clinical testing. Allele origin: germline.
Comment: The p.E648K variant (also known as c.1942G>A), located in coding exon 21 of the ERCC2 gene, results from a G to A substitution at nucleotide position 1942. The glutamic acid at codon 648 is replaced by lysine, an amino acid with similar properties. This amino acid position is conserved. In addition, this alteration is predicted to be deleterious by in silico analysis. Based on the available evidence, the clinical significance of this variant remains unclear.

NM_000400.4(ERCC2):c.1942G>A (p.Glu648Lys)

Gene: ERCC2 (ERCC excision repair 2, TFIIH core complex helicase subunit; minus strand). Cytogenetic location: 19q13.32.
Variant type: single nucleotide variant.
Coding change: c.1942G>A on transcript NM_000400.4 (MANE Select); coding-DNA position 1942, G replaced by A.
Protein change: p.Glu648Lys; replaces glutamic acid 648 with lysine.
Molecular consequence: missense variant.
Genome position (GRCh38, 1-based): chr19:45,352,610, C>T on the plus strand (G>A on the coding strand, the complement: ERCC2 is on the minus strand). VCF-style: chr19-45352610-C-T. GRCh37 (hg19) VCF-style: chr19-45855868-C-T.
Other names: short protein forms E648K.
Identifiers: ClinVar variation 3276277 (VCV003276277.1).